The following is an entry in ClinVar:

NM_000532.5(PCCB):c.1250A>G (p.Tyr417Cys)

Gene: PCCB (propionyl-CoA carboxylase subunit beta; plus strand). Cytogenetic location: 3q22.3.
Variant type: single nucleotide variant.
Coding change: c.1250A>G on transcript NM_000532.5 (MANE Select); coding-DNA position 1250, A replaced by G.
Protein change: p.Tyr417Cys; replaces tyrosine 417 with cysteine.
Molecular consequence: missense variant.
Genome position (GRCh38, 1-based): chr3:136,327,206, A>G. VCF-style: chr3-136327206-A-G. GRCh37 (hg19) VCF-style: chr3-136046048-A-G.
Other names: c.1310A>G, p.Tyr437Cys (NM_001178014.2); short protein forms Y417C, Y437C.
Identifiers: ClinVar variation 444619 (VCV000444619.43), dbSNP rs768882976, ClinGen allele CA2632113.

ClinVar aggregate classification (germline): Uncertain significance (1 of 4 stars; one submission).

Allele frequency attached by ClinVar (database versions not stated): gnomAD exomes below 0.00001; TOPMed below 0.00001; ExAC 0.00001.
gnomAD v4.1: 1 of 1,614,178 alleles (0.000062%); highest among the groups gnomAD compares: Non-Finnish European, 0.000085%; no homozygotes.

Submission:

CeGaT Center for Human Genetics Tuebingen
Classification: Uncertain significance. Last evaluated: 2024-03-01. Review status: criteria provided, single submitter. Criteria: CeGaT Center For Human Genetics Tuebingen Variant Classification Criteria Version 2. Collection method: clinical testing. Allele origin: germline. Affected: yes. Observed: 1 variant allele.
Comment: PCCB: PM2, PP3